The following is an entry in ClinVar:

ClinVar aggregate classification (germline): Pathogenic (1 of 4 stars; one submission).

Submission:

CeGaT Center for Human Genetics Tuebingen
Classification: Pathogenic. Last evaluated: 2024-07-01. Review status: criteria provided, single submitter. Criteria: CeGaT Center For Human Genetics Tuebingen Variant Classification Criteria Version 2. Collection method: clinical testing. Allele origin: germline. Affected: yes. Observed: 1 variant allele.
Comment: ZEB1: PVS1, PM2

NM_001174096.2(ZEB1):c.1812del (p.Asn604fs)

Gene: ZEB1 (zinc finger E-box binding homeobox 1; plus strand). Cytogenetic location: 10p11.22.
Variant type: Deletion.
Coding change: c.1812del on transcript NM_001174096.2 (MANE Select); coding-DNA position 1812, one base deleted (T; older notation c.1812delT).
Protein change: p.Asn604fs; shifts the reading frame from asparagine 604.
Molecular consequence: frameshift variant.
Genome position (GRCh38, 1-based): chr10:31,521,144, T deleted. VCF-style (leftmost placement, unchanged base first): chr10-31521143-AT-A. GRCh37 (hg19) VCF-style: chr10-31810071-AT-A.
Other names: c.1761del, p.Asn587fs (NM_001128128.3); c.1749del, p.Asn583fs (NM_001174093.2); c.1758del, p.Asn586fs (NM_001174094.2); c.1608del, p.Asn536fs (NM_001174095.2); c.1155del, p.Asn385fs (NM_001323638.2, NM_001323641.2, NM_001323642.2 and 27 more transcripts); c.1587del, p.Asn529fs (NM_001323674.2); c.1545del, p.Asn515fs (NM_001323675.2); c.1770del, p.Asn590fs (NM_001323676.2); and 3 more; short protein forms N385fs, N512fs, N515fs, N529fs, N536fs, N583fs, N586fs, N587fs.
Identifiers: ClinVar variation 3257351 (VCV003257351.17).